The following is an entry in ClinVar:

NM_007118.4(TRIO):c.9264del (p.Leu3089fs)

Gene: TRIO (trio Rho guanine nucleotide exchange factor; plus strand). Cytogenetic location: 5p15.2.
Variant type: Deletion.
Coding change: c.9264del on transcript NM_007118.4 (MANE Select); coding-DNA position 9264, one base deleted (T; older notation c.9264delT).
Protein change: p.Leu3089fs; shifts the reading frame from leucine 3089.
Molecular consequence: frameshift variant. On other transcripts: non-coding transcript variant (1).
Genome position (GRCh38, 1-based): chr5:14,508,392, T deleted; the last of 3 consecutive T bases (chr5:14,508,390-14,508,392); deleting any one gives the same sequence. VCF-style (leftmost placement, unchanged base first): chr5-14508389-CT-C. GRCh37 (hg19) VCF-style: chr5-14508498-CT-C.
Other names: short protein forms L3089fs.
Identifiers: ClinVar variation 3359457 (VCV003359457.1).

ClinVar aggregate classification (germline): Uncertain significance (1 of 4 stars; one submission).

Submission:

GeneDx
Classification: Uncertain significance. Last evaluated: 2023-06-09. Review status: criteria provided, single submitter. Criteria: GeneDx Variant Classification Process June 2021. Collection method: clinical testing. Allele origin: germline. Affected: yes.
Comment: Not observed at significant frequency in large population cohorts (gnomAD); Frameshift variant predicted to result as the last 9 amino acids are replaced with 38 different amino acids, although loss-of-function variants have not been reported downstream of this position in the protein; Has not been previously published as pathogenic or benign to our knowledge